The following is an entry in ClinVar:

ClinVar aggregate classification (germline): Uncertain significance (1 of 4 stars; one submission).

Conditions:
Ataxia-telangiectasia syndrome (AT). Also called: Ataxia telangiectasia (A-T); ATAXIA-TELANGIECTASIA, COMPLEMENTATION GROUP A; ATAXIA-TELANGIECTASIA, FRESNO VARIANT; Ataxia-telangiectasia; Ataxia-telangiectasia, complementation group E; LOUIS-BAR SYNDROME. Identifiers: Orphanet 100, MedGen C0004135, MONDO:0008840, OMIM 208900.

Submission:

Labcorp Genetics (formerly Invitae), Labcorp
Classification: Uncertain significance for Ataxia-telangiectasia syndrome. Last evaluated: 2020-10-06. Review status: criteria provided, single submitter. Criteria: Invitae Variant Classification Sherloc (09022015). Collection method: clinical testing. Allele origin: germline.
Comment: In summary, the available evidence is currently insufficient to determine the role of this variant in disease. Therefore, it has been classified as a Variant of Uncertain Significance. Advanced modeling of protein sequence and biophysical properties (such as structural, functional, and spatial information, amino acid conservation, physicochemical variation, residue mobility, and thermodynamic stability) performed at Invitae indicates that this missense variant is expected to disrupt ATM protein function. This variant has not been reported in the literature in individuals with ATM-related conditions. This variant is not present in population databases (ExAC no frequency). This sequence change replaces alanine with glycine at codon 2787 of the ATM protein (p.Ala2787Gly). The alanine residue is highly conserved and there is a small physicochemical difference between alanine and glycine.

NM_000051.4(ATM):c.8360C>G (p.Ala2787Gly)

Genes: ATM (ATM serine/threonine kinase; plus strand), C11orf65 (chromosome 11 open reading frame 65; minus strand). Cytogenetic location: 11q22.3.
Variant type: single nucleotide variant.
Coding change: c.8360C>G on transcript NM_000051.4 (MANE Select); coding-DNA position 8360, C replaced by G.
Protein change: p.Ala2787Gly; replaces alanine 2787 with glycine.
Molecular consequence: missense variant. On other transcripts: intron variant (2).
Genome position (GRCh38, 1-based): chr11:108,343,313, C>G. VCF-style: chr11-108343313-C-G. GRCh37 (hg19) VCF-style: chr11-108214040-C-G.
Other names: c.8360C>G, p.Ala2787Gly (NM_001351834.2); c.641-34242G>C (NM_001330368.2); c.695-8021G>C (NM_001351110.2); short protein forms A2787G.
Identifiers: ClinVar variation 1057491 (VCV001057491.9), dbSNP rs879253877, ClinGen allele CA382516502.